The following is an entry in ClinVar:

ClinVar aggregate classification (germline): Likely benign (0 of 4 stars; one submission).

Conditions:
SLC9A3-related disorder. Also called: SLC9A3-related condition.

Submission:

PreventionGenetics, part of Exact Sciences
Classification: Likely benign for SLC9A3-related condition. Last evaluated: 2022-11-07. Review status: no assertion criteria provided. Collection method: clinical testing. Allele origin: germline.
Comment: This variant is classified as likely benign based on ACMG/AMP sequence variant interpretation guidelines (Richards et al. 2015 PMID: 25741868, with internal and published modifications).

NM_004174.4(SLC9A3):c.514+8_514+93del

Gene: SLC9A3 (solute carrier family 9 member A3). Cytogenetic location: 5p15.33.
Variant type: Deletion.
Coding change: c.514+8_514+93del on transcript NM_004174.4 (MANE Select); bases 8 to 93 of the intron after coding-DNA position 514, this stretch deleted.
Molecular consequence: intron variant.
Genome position: GRCh38: chr5:491,677-491,762. GRCh37 (hg19): chr5:491,792-491,877.
Other names: c.514+8_514+93del (NM_001284351.3).
Identifiers: ClinVar variation 3048040 (VCV003048040.2), dbSNP rs2477624159, ClinGen allele CA2673003796.